The following is an entry in ClinVar:

ClinVar aggregate classification (germline): Conflicting classifications of pathogenicity. Review status: criteria provided, conflicting classifications (1 of 4 stars). 4 submissions from 4 submitters: Uncertain significance (3); Likely benign (1). Last evaluated 2023-12-05.

Conditions:
Hereditary cancer-predisposing syndrome. Also called: Neoplastic Syndromes, Hereditary; Hereditary Cancer Syndrome; Tumor predisposition; Hereditary neoplastic syndrome. Identifiers: Orphanet 140162, MedGen C0027672, MeSH D009386, MONDO:0015356.
Hereditary breast ovarian cancer syndrome. Also called: Hereditary breast and ovarian cancer syndrome; Hereditary breast and ovarian cancer syndrome (HBOC); Hereditary breast and/or ovarian cancer syndrome; Hereditary breast and ovarian cancer; Breast and ovarian cancer; BRCA1- and BRCA2-Associated Hereditary Breast and Ovarian Cancer. Identifiers: Orphanet 145, MedGen C0677776, MeSH D061325, MONDO:0003582. Disease mechanism: loss of function.

Allele frequency attached by ClinVar (database versions not stated): gnomAD exomes below 0.00001.
gnomAD v4.1: 4 of 1,595,700 alleles (0.00025%); highest among the groups gnomAD compares: Non-Finnish European, 0.00034%; no homozygotes.

Submissions (4):

Color Diagnostics, LLC DBA Color Health
Classification: Uncertain significance for Hereditary cancer-predisposing syndrome. Last evaluated: 2023-12-05. Review status: criteria provided, single submitter. Criteria: ACMG Guidelines, 2015. Collection method: clinical testing. Allele origin: germline.
Comment: This missense variant replaces phenylalanine with leucine at codon 516 of the BRCA2 protein. Computational prediction suggests that this variant may not impact protein structure and function (internally defined REVEL score threshold <= 0.5, PMID: 27666373). To our knowledge, functional studies have not been reported for this variant. This variant has not been reported in individuals affected with BRCA2-related disorders in the literature. This variant has not been identified in the general population by the Genome Aggregation Database (gnomAD). The available evidence is insufficient to determine the role of this variant in disease conclusively. Therefore, this variant is classified as a Variant of Uncertain Significance.

University of Washington Department of Laboratory Medicine, University of Washington
Classification: Likely benign for Hereditary cancer-predisposing syndrome. Last evaluated: 2023-03-23. Review status: criteria provided, single submitter. Criteria: Dines et al. (Genet Med. 2020). Collection method: curation. Allele origin: germline.
Comment: Missense variant in a coldspot region where missense variants are very unlikely to be pathogenic (PMID:31911673).

BRCA2 exon 10 coldspot. Reclassification based on statistical prior probability.

Labcorp Genetics (formerly Invitae), Labcorp
Classification: Uncertain significance for Hereditary breast ovarian cancer syndrome. Last evaluated: 2022-12-07. Review status: criteria provided, single submitter. Criteria: Invitae Variant Classification Sherloc (09022015). Collection method: clinical testing. Allele origin: germline.
Comment: This sequence change replaces phenylalanine, which is neutral and non-polar, with leucine, which is neutral and non-polar, at codon 516 of the BRCA2 protein (p.Phe516Leu). This variant is not present in population databases (gnomAD no frequency). This variant has not been reported in the literature in individuals affected with BRCA2-related conditions. ClinVar contains an entry for this variant (Variation ID: 927479). Advanced modeling of protein sequence and biophysical properties (such as structural, functional, and spatial information, amino acid conservation, physicochemical variation, residue mobility, and thermodynamic stability) performed at Invitae indicates that this missense variant is not expected to disrupt BRCA2 protein function. In summary, the available evidence is currently insufficient to determine the role of this variant in disease. Therefore, it has been classified as a Variant of Uncertain Significance.

Ambry Genetics
Classification: Uncertain significance for Hereditary cancer-predisposing syndrome. Last evaluated: 2021-07-13. Review status: criteria provided, single submitter. Criteria: Ambry Variant Classification Scheme 2023. Collection method: clinical testing. Allele origin: germline.
Comment: The p.F516L variant (also known as c.1548C>G), located in coding exon 9 of the BRCA2 gene, results from a C to G substitution at nucleotide position 1548. The phenylalanine at codon 516 is replaced by leucine, an amino acid with highly similar properties. This amino acid position is not well conserved in available vertebrate species. In addition, this alteration is predicted to be tolerated by in silico analysis. Since supporting evidence is limited at this time, the clinical significance of this alteration remains unclear.

NM_000059.4(BRCA2):c.1548C>G (p.Phe516Leu)

Gene: BRCA2 (BRCA2 DNA repair associated; plus strand). Cytogenetic location: 13q13.1.
Variant type: single nucleotide variant.
Coding change: c.1548C>G on transcript NM_000059.4 (MANE Select); coding-DNA position 1548, C replaced by G.
Protein change: p.Phe516Leu; replaces phenylalanine 516 with leucine.
Molecular consequence: missense variant.
Genome position (GRCh38, 1-based): chr13:32,333,026, C>G. VCF-style: chr13-32333026-C-G. GRCh37 (hg19) VCF-style: chr13-32907163-C-G.
Other names: short protein forms F516L.
Identifiers: ClinVar variation 927479 (VCV000927479.15), dbSNP rs2072416104, ClinGen allele CA387764653.